The following is an entry in ClinVar:

ClinVar aggregate classification (germline): Conflicting classifications of pathogenicity. Review status: criteria provided, conflicting classifications (1 of 4 stars). 6 submissions from 6 submitters: Uncertain significance (4); Likely benign (1). 1 of the submissions does not count toward it. Last evaluated 2026-04-14.

Conditions:
Familial cancer of breast. Also called: BREAST CANCER, FAMILIAL; hereditary breast carcinoma; Hereditary breast cancer. Identifiers: Orphanet 227535, MedGen C0346153, MONDO:0016419, OMIM 114480. Disease mechanism: loss of function.
PALB2-related disorder. Also called: PALB2-related disorders; PALB2-related condition.
Hereditary cancer-predisposing syndrome. Also called: Hereditary Cancer Syndrome; Hereditary neoplastic syndrome; Neoplastic Syndromes, Hereditary; Tumor predisposition. Identifiers: Orphanet 140162, MedGen C0027672, MeSH D009386, MONDO:0015356.
Hereditary breast ovarian cancer syndrome. Also called: BRCA1- and BRCA2-Associated Hereditary Breast and Ovarian Cancer; Hereditary breast and ovarian cancer syndrome; Hereditary breast and ovarian cancer syndrome (HBOC); Hereditary breast and ovarian cancer; Breast and ovarian cancer; Hereditary breast and/or ovarian cancer syndrome. Identifiers: Orphanet 145, MedGen C0677776, MeSH D061325, MONDO:0003582. Disease mechanism: loss of function.

Allele frequency attached by ClinVar (database versions not stated): 1000 Genomes Project 30x 0.00031; TOPMed 0.00001; gnomAD exomes 0.00002 and below 0.00001; gnomAD 0.00001; ExAC 0.00002; 1000 Genomes Project 0.00020.
gnomAD v4.1: 3 of 1,565,580 alleles (0.00019%); highest among the groups gnomAD compares: East Asian, 0.0045%; no homozygotes.

Submissions (6):

German Consortium for Hereditary Breast and Ovarian Cancer, University Hospital Cologne
Classification: Uncertain significance for Hereditary breast ovarian cancer syndrome. Last evaluated: 2026-04-14. Review status: criteria provided, single submitter. Criteria: ClinGen PALB2 V1.2.0. Collection method: curation. Allele origin: germline.
Comment: This classification follows the ClinGen ACMG PALB2 v1.2.0 classification scheme; We chose these criteria: PM2 (supporting pathogenic): gnomAD v4.1.1 = 0.000001916 (= 0.0002%, thus <0.000333%), PP3 (supporting pathogenic): SpliceAI: DL: 0,71

Labcorp Genetics (formerly Invitae), Labcorp
Classification: Uncertain significance for Familial cancer of breast. Last evaluated: 2025-12-13. Review status: criteria provided, single submitter. Criteria: Invitae Variant Classification Sherloc (09022015). Collection method: clinical testing. Allele origin: germline.
Comment: This sequence change falls in intron 8 of the PALB2 gene. It does not directly change the encoded amino acid sequence of the PALB2 protein. It affects a nucleotide within the consensus splice site. This variant is present in population databases (rs570455216, gnomAD 0.03%). This variant has been observed in individual(s) with breast cancer (PMID: 34846068). ClinVar contains an entry for this variant (Variation ID: 530057). Variants that disrupt the consensus splice site are a relatively common cause of aberrant splicing (PMID: 17576681, 9536098). Algorithms developed to predict the effect of sequence changes on RNA splicing suggest that this variant may disrupt the consensus splice site. In summary, the available evidence is currently insufficient to determine the role of this variant in disease. Therefore, it has been classified as a Variant of Uncertain Significance.

Color Diagnostics, LLC DBA Color Health
Classification: Uncertain significance for Hereditary cancer-predisposing syndrome. Last evaluated: 2024-12-23. Review status: criteria provided, single submitter. Criteria: ACMG Guidelines, 2015. Collection method: clinical testing. Allele origin: germline.
Comment: This variant causes a G to A nucleotide substitution at the +5 position of intron 8 of the PALB2 gene. Splice site prediction tools predict that this variant may have a significant impact on RNA splicing. An minigene splicing assay has shown that this variant causes a leaky out-of-frame skipping of exon 8 affecting approximately 60% of transcripts (PMID: 34846068). To our knowledge, this variant has not been reported in individuals affected with PALB2-related disorders in the literature. This variant has been identified in 6/250218 chromosomes in the general population by the Genome Aggregation Database (gnomAD). The available evidence is insufficient to determine the role of this variant in disease conclusively. Therefore, this variant is classified as a Variant of Uncertain Significance.

Baylor Genetics
Classification: Uncertain significance for Familial cancer of breast. Last evaluated: 2024-02-18. Review status: criteria provided, single submitter. Criteria: ACMG Guidelines, 2015. Collection method: clinical testing. Allele origin: unknown.

Ambry Genetics
Classification: Likely benign for Hereditary cancer-predisposing syndrome. Last evaluated: 2022-09-06. Review status: criteria provided, single submitter. Criteria: Ambry Variant Classification Scheme 2023. Collection method: clinical testing. Allele origin: germline.

PreventionGenetics, part of Exact Sciences
Classification: Uncertain significance for PALB2-related condition. Last evaluated: 2024-06-19. Review status: no assertion criteria provided. Collection method: clinical testing. Allele origin: germline. Not counted in ClinVar's aggregate classification.
Comment: The PALB2 c.2834+5G>A variant is predicted to interfere with splicing. This variant has been reported in an individual with breast cancer (Valenzuela-Palomo et al. 2022. PubMed ID: 34846068). This variant is reported in 0.027% of alleles in individuals of East Asian descent in gnomAD and has conflicting interpretations of pathogenicity, ranging from likely benign to uncertain, in the ClinVar database. At this time, the clinical significance of this variant is uncertain due to the absence of conclusive functional and genetic evidence.

Literature cited by the submitters: PubMed 34846068 (cited by Labcorp Genetics (formerly Invitae), Labcorp and Color Diagnostics, LLC DBA Color Health); PubMed 17576681 (cited by Labcorp Genetics (formerly Invitae), Labcorp); PubMed 9536098 (cited by Labcorp Genetics (formerly Invitae), Labcorp).

NM_024675.4(PALB2):c.2834+5G>A

Gene: PALB2 (partner and localizer of BRCA2; minus strand). Cytogenetic location: 16p12.2.
Variant type: single nucleotide variant.
Coding change: c.2834+5G>A on transcript NM_024675.4 (MANE Select); 5 bases into the intron after coding-DNA position 2834, G replaced by A.
Molecular consequence: intron variant.
Genome position (GRCh38, 1-based): chr16:23,624,004, C>T on the plus strand (G>A on the coding strand, the complement: PALB2 is on the minus strand). VCF-style: chr16-23624004-C-T. GRCh37 (hg19) VCF-style: chr16-23635325-C-T.
Identifiers: ClinVar variation 530057 (VCV000530057.21), dbSNP rs570455216, ClinGen allele CA7963478.
Genomic context (GRCh38, chr16:23,624,004, plus strand): 5'-ACTTAAAACCAGCTGACAGAGACAAAGATGAAGGAAAAACAAATCACTCCTTGGGAATTA[C>T]ATACCTGATCTCTCTGATTTCCAAATTTCCCAAAGCTACACACACGAGATTATACACATC-3'